The following is an entry in ClinVar:

NM_001042517.2(DIAPH3):c.2417del (p.Lys806fs)

Gene: DIAPH3 (diaphanous related formin 3; minus strand). Cytogenetic location: 13q21.2.
Variant type: Deletion.
Coding change: c.2417del on transcript NM_001042517.2 (MANE Select); coding-DNA position 2417, one base deleted (A; older notation c.2417delA).
Protein change: p.Lys806fs; shifts the reading frame from lysine 806.
Molecular consequence: frameshift variant.
Genome position (GRCh38, 1-based): chr13:59,879,419, T deleted on the plus strand (A on the coding strand, the reverse complement: DIAPH3 is on the minus strand); the first of 2 consecutive T bases (chr13:59,879,419-59,879,420); deleting either gives the same sequence. VCF-style (leftmost placement, unchanged base first): chr13-59879418-CT-C. GRCh37 (hg19) VCF-style: chr13-60453552-CT-C.
Other names: c.2384del, p.Lys795fs (NM_001258366.2); c.2279del, p.Lys760fs (NM_001258367.2); c.2207del, p.Lys736fs (NM_001258368.2); c.2417del, p.Lys806fs (NM_001258369.2); c.1628del, p.Lys543fs (NM_001258370.2, NM_030932.4); short protein forms K543fs, K795fs, K736fs, K760fs, K806fs.
Identifiers: ClinVar variation 4773064 (VCV004773064.1).

ClinVar aggregate classification (germline): Uncertain significance (1 of 4 stars; one submission).

Submission:

Labcorp Genetics (formerly Invitae), Labcorp
Classification: Uncertain significance. Last evaluated: 2025-03-22. Review status: criteria provided, single submitter. Criteria: Invitae Variant Classification Sherloc (09022015). Collection method: clinical testing. Allele origin: germline.
Comment: This sequence change creates a premature translational stop signal (p.Lys806Serfs*8) in the DIAPH3 gene. It is expected to result in an absent or disrupted protein product. However, the current clinical and genetic evidence is not sufficient to establish whether loss-of-function variants in DIAPH3 cause disease. This variant is not present in population databases (gnomAD no frequency). This variant has not been reported in the literature in individuals affected with DIAPH3-related conditions. In summary, the available evidence is currently insufficient to determine the role of this variant in disease. Therefore, it has been classified as a Variant of Uncertain Significance.